The following is an entry in ClinVar:

NM_020366.4(RPGRIP1):c.386A>T (p.His129Leu)

Gene: RPGRIP1 (RPGR interacting protein 1; plus strand). Cytogenetic location: 14q11.2.
Variant type: single nucleotide variant.
Coding change: c.386A>T on transcript NM_020366.4 (MANE Select); coding-DNA position 386, A replaced by T.
Protein change: p.His129Leu; replaces histidine 129 with leucine.
Molecular consequence: missense variant.
Genome position (GRCh38, 1-based): chr14:21,301,133, A>T. VCF-style: chr14-21301133-A-T. GRCh37 (hg19) VCF-style: chr14-21769292-A-T.
Other names: short protein forms H129L.
Identifiers: ClinVar variation 861300 (VCV000861300.14), dbSNP rs547876047, ClinGen allele CA257494544.

ClinVar aggregate classification (germline): Uncertain significance. Review status: criteria provided, multiple submitters, no conflicts (2 of 4 stars). 7 submissions from 5 submitters: Uncertain significance (7). Last evaluated 2025-02-12.

Conditions:
Inborn genetic diseases. Identifiers: MedGen C0950123, MeSH D030342.
Cone-rod dystrophy 13 (CORD13). Identifiers: Orphanet 1872, MedGen C2750720, MONDO:0011987, OMIM 608194.
Leber congenital amaurosis 6 (LCA6). Identifiers: Orphanet 65, MedGen C1854260, MONDO:0013446, OMIM 613826.

Allele frequency attached by ClinVar (database versions not stated): gnomAD 0.00001; TOPMed 0.00002.
gnomAD v4.1: 39 of 1,601,354 alleles (0.0024%); highest among the groups gnomAD compares: Non-Finnish European, 0.0033%; no homozygotes.

Submissions (7):

Ambry Genetics
Classification: Uncertain significance for Inborn genetic diseases. Last evaluated: 2025-02-12. Review status: criteria provided, single submitter. Criteria: Ambry Variant Classification Scheme 2023. Collection method: clinical testing. Allele origin: germline.

Labcorp Genetics (formerly Invitae), Labcorp
Classification: Uncertain significance for Leber congenital amaurosis 6; Cone-rod dystrophy 13. Last evaluated: 2023-07-29. Review status: criteria provided, single submitter. Criteria: Invitae Variant Classification Sherloc (09022015). Collection method: clinical testing. Allele origin: germline.
Comment: This sequence change replaces histidine, which is basic and polar, with leucine, which is neutral and non-polar, at codon 129 of the RPGRIP1 protein (p.His129Leu). This variant is not present in population databases (gnomAD no frequency). This variant has not been reported in the literature in individuals affected with RPGRIP1-related conditions. ClinVar contains an entry for this variant (Variation ID: 861300). Advanced modeling of protein sequence and biophysical properties (such as structural, functional, and spatial information, amino acid conservation, physicochemical variation, residue mobility, and thermodynamic stability) performed at Invitae indicates that this missense variant is not expected to disrupt RPGRIP1 protein function. In summary, the available evidence is currently insufficient to determine the role of this variant in disease. Therefore, it has been classified as a Variant of Uncertain Significance.

Blueprint Genetics
Classification: Uncertain significance. Last evaluated: 2022-10-27. Review status: criteria provided, single submitter. Criteria: ACMG Guidelines, 2015. Collection method: clinical testing. Allele origin: germline.

Genome-Nilou Lab
Classification: Uncertain significance for Leber congenital amaurosis 6. Last evaluated: 2021-11-07. Review status: criteria provided, single submitter. Criteria: ACMG Guidelines, 2015. Collection method: clinical testing. Allele origin: germline. Affected: no.

Genome-Nilou Lab
Classification: Uncertain significance for Cone-rod dystrophy 13. Last evaluated: 2021-11-07. Review status: criteria provided, single submitter. Criteria: ACMG Guidelines, 2015. Collection method: clinical testing. Allele origin: germline. Affected: no.

Illumina Laboratory Services, Illumina
Classification: Uncertain significance for Leber congenital amaurosis 6. Last evaluated: 2017-04-28. Review status: criteria provided, single submitter. Criteria: ICSL Variant Classification Criteria 13 December 2019. Collection method: clinical testing. Allele origin: germline.

Illumina Laboratory Services, Illumina
Classification: Uncertain significance for Cone-rod dystrophy 13. Last evaluated: 2017-04-28. Review status: criteria provided, single submitter. Criteria: ICSL Variant Classification Criteria 13 December 2019. Collection method: clinical testing. Allele origin: germline.